The following is an entry in ClinVar:

ClinVar aggregate classification (germline): Benign/Likely benign. Review status: criteria provided, multiple submitters, no conflicts (2 of 4 stars). 6 submissions from 6 submitters: Benign (2); Likely benign (2). 2 of the submissions do not count toward it. Last evaluated 2025-12-28.

Conditions:
Hereditary cancer-predisposing syndrome. Also called: Hereditary Cancer Syndrome; Hereditary neoplastic syndrome; Neoplastic Syndromes, Hereditary; Tumor predisposition. Identifiers: Orphanet 140162, MedGen C0027672, MeSH D009386, MONDO:0015356.
Breast-ovarian cancer, familial, susceptibility to, 1 (BROVCA1). Also called: BRCA1 Hereditary Breast and Ovarian Cancer; OVARIAN CANCER, SUSCEPTIBILITY TO. Identifiers: Orphanet 145, MedGen C2676676, MONDO:0011450, OMIM 604370. Disease mechanism: loss of function.
Hereditary breast ovarian cancer syndrome. Also called: BRCA1- and BRCA2-Associated Hereditary Breast and Ovarian Cancer; Hereditary breast and ovarian cancer syndrome; Hereditary breast and ovarian cancer syndrome (HBOC); Breast and ovarian cancer; Hereditary breast and/or ovarian cancer syndrome; Hereditary breast and ovarian cancer. Identifiers: Orphanet 145, MedGen C0677776, MeSH D061325, MONDO:0003582. Disease mechanism: loss of function.

Allele frequency attached by ClinVar (database versions not stated): gnomAD 0.00001; gnomAD exomes below 0.00001; TOPMed below 0.00001; ExAC 0.00001.
gnomAD v4.1: 22 of 1,611,450 alleles (0.0014%); highest among the groups gnomAD compares: Non-Finnish European, 0.0018%; no homozygotes.

Submissions (6):

Labcorp Genetics (formerly Invitae), Labcorp
Classification: Benign for Hereditary breast ovarian cancer syndrome. Last evaluated: 2025-12-28. Review status: criteria provided, single submitter. Criteria: Invitae Variant Classification Sherloc (09022015). Collection method: clinical testing. Allele origin: germline.

Women's Health and Genetics/Laboratory Corporation of America, LabCorp
Classification: Likely benign. Last evaluated: 2021-02-21. Review status: criteria provided, single submitter. Criteria: LabCorp Variant Classification Summary - May 2015. Collection method: clinical testing. Allele origin: germline.
Comment: Variant summary: BRCA1 c.4676-16C>G alters a non-conserved nucleotide located close to a canonical splice site and therefore could affect mRNA splicing, leading to a significantly altered protein sequence. 5/5 computational tools predict no significant impact on normal splicing. However, these predictions have yet to be confirmed by functional studies. The variant allele was found at a frequency of 4e-06 in 248832 control chromosomes. The available data on variant occurrences in the general population are insufficient to allow any conclusion about variant significance. To our knowledge, no occurrence of c.4676-16C>G in individuals affected with Hereditary Breast And Ovarian Cancer Syndrome and no experimental evidence demonstrating its impact on protein function have been reported. Three clinical diagnostic laboratories have submitted clinical-significance assessments for this variant to ClinVar after 2014 without evidence for independent evaluation. All laboratories classified the variant as benign (n=2)/likely benign (n=1). Based on the majority consensus leaning towards a neutral/benign outcome as outlined above, the variant was re-classified as likely benign.

Color Diagnostics, LLC DBA Color Health
Classification: Likely benign for Hereditary cancer-predisposing syndrome. Last evaluated: 2015-12-08. Review status: criteria provided, single submitter. Criteria: ACMG Guidelines, 2015. Collection method: clinical testing. Allele origin: germline.

GeneDx
Classification: Benign. Last evaluated: 2015-06-08. Review status: criteria provided, single submitter. Criteria: GeneDx Variant Classification (06012015). Collection method: clinical testing. Allele origin: germline. Affected: yes.
Comment: This variant is considered likely benign or benign based on one or more of the following criteria: it is a conservative change, it occurs at a poorly conserved position in the protein, it is predicted to be benign by multiple in silico algorithms, and/or has population frequency not consistent with disease.

Sharing Clinical Reports Project (SCRP)
Classification: Likely benign for Breast-ovarian cancer, familial 1. Last evaluated: 2012-08-07. Review status: no assertion criteria provided. Collection method: clinical testing. Allele origin: germline. Not counted in ClinVar's aggregate classification.

Breast Cancer Information Core (BIC) (BRCA1)
Classification: Uncertain significance for Breast-ovarian cancer, familial 1. Last evaluated: 2010-03-10. Review status: no assertion criteria provided. Collection method: clinical testing. Allele origin: germline. Affected: yes. Observed: 2 variant alleles. Not counted in ClinVar's aggregate classification.

Literature cited by the submitters: PubMed 23348723 (cited by Women's Health and Genetics/Laboratory Corporation of America, LabCorp).

NM_007294.4(BRCA1):c.4676-16C>G

Gene: BRCA1 (BRCA1 DNA repair associated; minus strand). Cytogenetic location: 17q21.31.
Variant type: single nucleotide variant.
Coding change: c.4676-16C>G on transcript NM_007294.4 (MANE Select); 16 bases into the intron before coding-DNA position 4676, C replaced by G.
Molecular consequence: intron variant.
Genome position (GRCh38, 1-based): chr17:43,071,254, G>C on the plus strand (C>G on the coding strand, the complement: BRCA1 is on the minus strand). VCF-style: chr17-43071254-G-C. GRCh37 (hg19) VCF-style: chr17-41223271-G-C.
Other names: IVS15-16C>G; c.1223-16C>G (NM_001408458.1, NM_001408461.1, NM_001408464.1 and 7 more transcripts); c.3785-16C>G (NM_001407967.1); c.4295-16C>G (NM_001407959.1); c.4409-16C>G (NM_001407931.1, NM_001407932.1, NM_001407928.1 and 4 more transcripts); c.4532-16C>G (NM_001407747.1, NM_001407745.1, NM_001407737.1 and 21 more transcripts); c.4292-16C>G (NM_001407962.1, NM_001407960.1); c.863-16C>G (NM_001408512.1); and 72 more.
Identifiers: ClinVar variation 91634 (VCV000091634.18), dbSNP rs80358067, ClinGen allele CA002967.